The following is an entry in ClinVar:

ClinVar aggregate classification (germline): Uncertain significance (1 of 4 stars; one submission).

Conditions:
Aicardi-Goutieres syndrome 7 (AGS7). Identifiers: Orphanet 51, MedGen C3888244, MONDO:0014367, OMIM 615846.
Singleton-Merten syndrome 1 (SGMRT1). Also called: Widened medullary cavities of bone, aortic calcification, abnormal dentition, and muscular weakness; Syndrome of widened medullary cavities of the metacarpals and phalanges, aortic calcification and abnormal dentition. Identifiers: Orphanet 85191, MedGen C4225427, MONDO:0024535, OMIM 182250.

Allele frequency attached by ClinVar (database versions not stated): gnomAD exomes below 0.00001.
gnomAD v4.1: 1 of 1,591,146 alleles (0.000063%); highest among the groups gnomAD compares: Non-Finnish European, 0.000086%; no homozygotes.

Submission:

Labcorp Genetics (formerly Invitae), Labcorp
Classification: Uncertain significance for Aicardi-Goutieres syndrome 7; Singleton-Merten syndrome 1. Last evaluated: 2021-03-28. Review status: criteria provided, single submitter. Criteria: Invitae Variant Classification Sherloc (09022015). Collection method: clinical testing. Allele origin: germline.
Comment: This variant has not been reported in the literature in individuals with IFIH1-related conditions. In summary, the available evidence is currently insufficient to determine the role of this variant in disease. Therefore, it has been classified as a Variant of Uncertain Significance. Nucleotide substitutions within the consensus splice site are a relatively common cause of aberrant splicing (PMID: 17576681, 9536098). Algorithms developed to predict the effect of sequence changes on RNA splicing suggest that this variant may disrupt the consensus splice site, but this prediction has not been confirmed by published transcriptional studies. This variant is not present in population databases (ExAC no frequency). This sequence change falls in intron 6 of the IFIH1 gene. It does not directly change the encoded amino acid sequence of the IFIH1 protein. It affects a nucleotide within the consensus splice site of the intron.

Literature cited by the submitters: PubMed 17576681; PubMed 9536098.

NM_022168.4(IFIH1):c.1306+6T>C

Gene: IFIH1 (interferon induced with helicase C domain 1; minus strand). Cytogenetic location: 2q24.2.
Variant type: single nucleotide variant.
Coding change: c.1306+6T>C on transcript NM_022168.4 (MANE Select); 6 bases into the intron after coding-DNA position 1306, T replaced by C.
Molecular consequence: intron variant.
Genome position (GRCh38, 1-based): chr2:162,282,360, A>G on the plus strand (T>C on the coding strand, the complement: IFIH1 is on the minus strand). VCF-style: chr2-162282360-A-G. GRCh37 (hg19) VCF-style: chr2-163138870-A-G.
Identifiers: ClinVar variation 1478701 (VCV001478701.6), dbSNP rs2105202990, ClinGen allele CA2573133445.